The following is an entry in ClinVar:

NM_000094.4(COL7A1):c.2110A>G (p.Ile704Val)

Gene: COL7A1 (collagen type VII alpha 1 chain; minus strand). Cytogenetic location: 3p21.31.
Variant type: single nucleotide variant.
Coding change: c.2110A>G on transcript NM_000094.4 (MANE Select); coding-DNA position 2110, A replaced by G.
Protein change: p.Ile704Val; replaces isoleucine 704 with valine.
Molecular consequence: missense variant.
Genome position (GRCh38, 1-based): chr3:48,589,659, T>C on the plus strand (A>G on the coding strand, the complement: COL7A1 is on the minus strand). VCF-style: chr3-48589659-T-C. GRCh37 (hg19) VCF-style: chr3-48627092-T-C.
Other names: short protein forms I704V.
Identifiers: ClinVar variation 2913892 (VCV002913892.3), dbSNP rs140182747, ClinGen allele CA2380989.
Genomic context (GRCh38, chr3:48,589,659, plus strand): 5'-CGTGGGCTGAGTGCCAGGAAACCCTGTATCCTGTGGCGCCAGGAACCCTGGTCCAGGTAA[T>C]GGTGACAGATGAGCTGCTGGCCTGAGTCACATGGACCGTCCTCACTGGGCCCAGTGGGTC-3'
Protein context (NP_000085.1, residues 694-714): VTQASSSSVT[Ile704Val]TWTRVPGATG

ClinVar aggregate classification (germline): Uncertain significance (1 of 4 stars; one submission).

Allele frequency attached by ClinVar (database versions not stated): gnomAD exomes 0.00001; ExAC 0.00002; TOPMed 0.00002; gnomAD 0.00004; ESP Exome Variant Server 0.00008.
gnomAD v4.1: 24 of 1,612,998 alleles (0.0015%); highest among the groups gnomAD compares: Non-Finnish European, 0.0019%; no homozygotes.

Submission:

Labcorp Genetics (formerly Invitae), Labcorp
Classification: Uncertain significance. Last evaluated: 2024-08-05. Review status: criteria provided, single submitter. Criteria: Invitae Variant Classification Sherloc (09022015). Collection method: clinical testing. Allele origin: germline.
Comment: This sequence change replaces isoleucine, which is neutral and non-polar, with valine, which is neutral and non-polar, at codon 704 of the COL7A1 protein (p.Ile704Val). This variant is present in population databases (rs140182747, gnomAD 0.003%). This variant has not been reported in the literature in individuals affected with COL7A1-related conditions. Advanced modeling of protein sequence and biophysical properties (such as structural, functional, and spatial information, amino acid conservation, physicochemical variation, residue mobility, and thermodynamic stability) performed at Invitae indicates that this missense variant is not expected to disrupt COL7A1 protein function with a negative predictive value of 95%. In summary, the available evidence is currently insufficient to determine the role of this variant in disease. Therefore, it has been classified as a Variant of Uncertain Significance.